The following is an entry in ClinVar:

NM_025216.3(WNT10A):c.514A>T (p.Arg172Trp)

Gene: WNT10A (Wnt family member 10A; plus strand). Cytogenetic location: 2q35.
Variant type: single nucleotide variant.
Coding change: c.514A>T on transcript NM_025216.3 (MANE Select); coding-DNA position 514, A replaced by T.
Protein change: p.Arg172Trp; replaces arginine 172 with tryptophan.
Molecular consequence: missense variant.
Genome position (GRCh38, 1-based): chr2:218,890,121, A>T. VCF-style: chr2-218890121-A-T. GRCh37 (hg19) VCF-style: chr2-219754843-A-T.
Other names: short protein forms R172W.
Identifiers: ClinVar variation 1148502 (VCV001148502.36), dbSNP rs145641272, ClinGen allele CA2113958.
Genomic context (GRCh38, chr2:218,890,121, plus strand): 5'-GGCAAACTGAAGGCCTGTGGCTGTGATGCGTCCCGGCGAGGGGACGAGGAGGCCTTCCGT[A>T]GGAAGCTGCACCGCTTACAACTGGATGCACTGCAGCGTGGTAAGGGCCTGAGCCATGGGG-3'
Protein context (NP_079492.2, residues 162-182): SRRGDEEAFR[Arg172Trp]KLHRLQLDAL

ClinVar aggregate classification (germline): Conflicting classifications of pathogenicity. Review status: criteria provided, conflicting classifications (1 of 4 stars). 2 submissions from 2 submitters: Uncertain significance (1); Likely benign (1). Last evaluated 2026-01-21.

Conditions:
Odonto-onycho-dermal dysplasia. Identifiers: Orphanet 2721, MedGen C0796093, MONDO:0009773, OMIM 257980.
Tooth agenesis, selective, 4 (STHAG4). Also called: SUCCEDANEOUS TEETH, AGENESIS OF; TOOTH AGENESIS, SELECTIVE, 4, WITH OR WITHOUT ECTODERMAL DYSPLASIA; LATERAL INCISORS, ABSENCE OF; LATERAL INCISORS, PEGGED OR MISSING. Identifiers: Orphanet 99798, MedGen C1835492, MONDO:0007881, OMIM 150400. Disease mechanism: loss of function.

Allele frequency attached by ClinVar (database versions not stated): ESP Exome Variant Server 0.00015; 1000 Genomes Project 30x 0.00016; ExAC 0.00017; 1000 Genomes Project 0.00020; gnomAD exomes 0.00021; TOPMed 0.00021; gnomAD 0.00023 and 0.00024.

Submissions (2):

Labcorp Genetics (formerly Invitae), Labcorp
Classification: Likely benign for Tooth agenesis, selective, 4; Odonto-onycho-dermal dysplasia. Last evaluated: 2026-01-21. Review status: criteria provided, single submitter. Criteria: Invitae Variant Classification Sherloc (09022015). Collection method: clinical testing. Allele origin: germline.

CeGaT Center for Human Genetics Tuebingen
Classification: Uncertain significance. Last evaluated: 2023-01-01. Review status: criteria provided, single submitter. Criteria: CeGaT Center For Human Genetics Tuebingen Variant Classification Criteria Version 2. Collection method: clinical testing. Allele origin: germline. Affected: yes. Observed: 1 variant allele.
Comment: WNT10A: PM2